The following is an entry in ClinVar:

NM_001711.6(BGN):c.1063G>A (p.Val355Ile)

Gene: BGN (biglycan; plus strand). Cytogenetic location: Xq28.
Variant type: single nucleotide variant.
Coding change: c.1063G>A on transcript NM_001711.6 (MANE Select); coding-DNA position 1063, G replaced by A.
Protein change: p.Val355Ile; replaces valine 355 with isoleucine.
Molecular consequence: missense variant.
Genome position (GRCh38, 1-based): chrX:153,508,401, G>A. VCF-style: chrX-153508401-G-A. GRCh37 (hg19) VCF-style: chrX-152773859-G-A.
Other names: short protein forms V355I.
Identifiers: ClinVar variation 1317123 (VCV001317123.9), dbSNP rs201567818, ClinGen allele CA10547389.

ClinVar aggregate classification (germline): Conflicting classifications of pathogenicity. Review status: criteria provided, conflicting classifications (1 of 4 stars). 3 submissions from 3 submitters: Uncertain significance (1); Likely benign (2). Last evaluated 2026-01-13.

Conditions:
Cardiovascular phenotype. Identifiers: MedGen CN230736.

Allele frequency attached by ClinVar (database versions not stated): ESP Exome Variant Server 0.00009; gnomAD exomes 0.00009 and 0.00015; gnomAD 0.00010 and 0.00011; ExAC 0.00013; TOPMed 0.00013.
gnomAD v4.1: 178 of 1,210,896 alleles (0.015%); highest among the groups gnomAD compares: Non-Finnish European, 0.019%; no homozygotes.

Submissions (3):

Labcorp Genetics (formerly Invitae), Labcorp
Classification: Uncertain significance. Last evaluated: 2026-01-13. Review status: criteria provided, single submitter. Criteria: Invitae Variant Classification Sherloc (09022015). Collection method: clinical testing. Allele origin: germline.
Comment: This sequence change replaces valine, which is neutral and non-polar, with isoleucine, which is neutral and non-polar, at codon 355 of the BGN protein (p.Val355Ile). This variant is present in population databases (rs201567818, gnomAD 0.03%). This variant has not been reported in the literature in individuals affected with BGN-related conditions. ClinVar contains an entry for this variant (Variation ID: 1317123). An algorithm developed to predict the effect of missense changes on protein structure and function (PolyPhen-2) suggests that this variant is likely to be tolerated. In summary, the available evidence is currently insufficient to determine the role of this variant in disease. Therefore, it has been classified as a Variant of Uncertain Significance.

GeneDx
Classification: Likely benign. Last evaluated: 2021-04-09. Review status: criteria provided, single submitter. Criteria: GeneDx Variant Classification Process June 2021. Collection method: clinical testing. Allele origin: germline. Affected: yes.

Ambry Genetics
Classification: Likely benign for Cardiovascular phenotype. Last evaluated: 2019-06-27. Review status: criteria provided, single submitter. Criteria: Ambry Variant Classification Scheme 2023. Collection method: clinical testing. Allele origin: germline.